The following is an entry in ClinVar:

ClinVar aggregate classification (germline): Pathogenic/Likely pathogenic. Review status: criteria provided, multiple submitters, no conflicts (2 of 4 stars). 20 submissions from 19 submitters: Pathogenic (11); Likely pathogenic (2). 7 of the submissions do not count toward it. Last evaluated 2025-11-14.

Conditions:
Inborn genetic diseases. Identifiers: MedGen C0950123, MeSH D030342.
Non-progressive congenital cerebellar ataxia.
Ataxia _ Neurologic (child onset).
CACNA1A-related disorder. Also called: CACNA1A-related condition.
Episodic ataxia type 2 (EA2). Also called: ACETAZOLAMIDE-RESPONSIVE HEREDITARY PAROXYSMAL CEREBELLAR ATAXIA; ATAXIA, EPISODIC, WITH NYSTAGMUS; ATAXIA, FAMILIAL PAROXYSMAL; CEREBELLAR ATAXIA, PAROXYSMAL, ACETAZOLAMIDE-RESPONSIVE; CEREBELLOPATHY, HEREDITARY PAROXYSMAL; EPISODIC ATAXIA, NYSTAGMUS-ASSOCIATED. Identifiers: Orphanet 97, MedGen C1720416, MONDO:0007163, OMIM 108500.
Developmental and epileptic encephalopathy, 42 (DEE42A). Also called: Epileptic encephalopathy, early infantile, 42; DEVELOPMENTAL AND EPILEPTIC ENCEPHALOPATHY 42A; EPILEPTIC ENCEPHALOPATHY, EARLY INFANTILE, 42A. Identifiers: MedGen C4310716, MONDO:0014917, OMIM 617106.
Chronic and progressive ataxia.
Neurodevelopmental delay. Identifiers: MedGen C4022738, HP:0012758.
Spinocerebellar ataxia type 6 (SCA6). Identifiers: Orphanet 98758, MedGen C0752124, MONDO:0008457, OMIM 183086.
Global developmental delay (DD). Also called: Cognitive delay. Identifiers: MedGen C0557874, HP:0001263. Disease mechanism: loss of function.
Enlarged cisterna magna. Identifiers: Orphanet 97252, MedGen C1853377, MONDO:0019953, HP:0002280.

Submissions 1 to 13 of 20:

3billion
Classification: Pathogenic for Spinocerebellar ataxia type 6. Last evaluated: 2025-11-14. Review status: criteria provided, single submitter. Criteria: ACMG Guidelines, 2015. Collection method: clinical testing. Allele origin: germline. Affected: yes.
Comment: The variant is not observed in the gnomAD v4.1.0 dataset. Predicted Consequence/Location: Missense variant In silico tool predictions suggest damaging effect of the variant on gene or gene product [REVEL: 0.97 (>=0.6, sensitivity 0.68 and specificity 0.92); 3Cnet: 0.98 (> 0.75, sensitivity 0.96 and precision 0.92)]. The same nucleotide change resulting in the same amino acid change has been previously reported as pathogenic/likely pathogenic with strong evidence (ClinVar ID: VCV000068432 /PMID: 16325861 /3billion dataset). The variant has been previously reported as de novo in at least two similarly affected unrelated individuals (PMID: 28742085). The variant has been observed in multiple (>3) similarly affected unrelated individuals (PMID: 16325861, 28742085). Therefore, this variant is classified as Pathogenic according to the recommendation of ACMG/AMP guideline.

Dasa
Classification: Pathogenic. Last evaluated: 2025-10-07. Review status: criteria provided, single submitter. Criteria: DASA Assertion Criteria. Collection method: clinical testing. Allele origin: germline.
Comment: NM_001127222.2(CACNA1A):c.4988G>A (p.Arg1663Gln) is a missense variant that results in the substitution of arginine with glutamine. De novo occurrence has been reported in an individual with related phenotype. Functional evidence supports a deleterious effect on the gene or gene product (PMID: 28742085; PMID: 38681507; PMID: 34068417; PMID: 31475473; PMID: 35982159). This variant has been recurrently observed in individuals with related phenotype (PMID: 28742085; PMID: 38681507; PMID: 34068417; PMID: 31475473; PMID: 35982159). Multiple computational predictions support a deleterious effect on the gene or gene product. The variant is present at low frequency in population datasets. Based on the available data, this variant is classified as pathogenic.

Labcorp Genetics (formerly Invitae), Labcorp
Classification: Pathogenic for Developmental and epileptic encephalopathy, 42; Episodic ataxia type 2. Last evaluated: 2025-03-19. Review status: criteria provided, single submitter. Criteria: Invitae Variant Classification Sherloc (09022015). Collection method: clinical testing. Allele origin: germline.
Comment: This sequence change replaces arginine, which is basic and polar, with glutamine, which is neutral and polar, at codon 1664 of the CACNA1A protein (p.Arg1664Gln). This variant is not present in population databases (gnomAD no frequency). This missense change has been observed in individual(s) with early onset ataxia (PMID: 16325861, 28742085). In at least one individual the variant was observed to be de novo. ClinVar contains an entry for this variant (Variation ID: 68432). Invitae Evidence Modeling of protein sequence and biophysical properties (such as structural, functional, and spatial information, amino acid conservation, physicochemical variation, residue mobility, and thermodynamic stability) indicates that this missense variant is expected to disrupt CACNA1A protein function with a positive predictive value of 95%. Experimental studies have shown that this missense change affects CACNA1A function (PMID: 28742085). For these reasons, this variant has been classified as Pathogenic.

Ambry Genetics
Classification: Pathogenic for Inborn genetic diseases. Last evaluated: 2025-02-12. Review status: criteria provided, single submitter. Criteria: Ambry Variant Classification Scheme 2023. Collection method: clinical testing. Allele origin: germline.
Comment: The p.R1664Q variant (also known as c.4991G>A), located in coding exon 32 of the CACNA1A gene, results from a G to A substitution at nucleotide position 4991. The arginine at codon 1664 is replaced by glutamine, an amino acid with highly similar properties. This variant was reported in individual(s) with features consistent with CACNA1A-related neurologic disorder; in at least one individual, it was determined to be de novo (Raslan IR et al. Neurol Genet, 2024 Jun;10:e200153; Kessi M et al. Front Mol Neurosci, 2023 Jul;16:1222321; Mart&iacute;nez-Monseny AF et al. Int J Mol Sci, 2021 May;22:; Luo X et al. PLoS Genet, 2017 Jul;13:e1006905; Tonelli A et al. J. Neurol. Sci., 2006 Feb;241:13-7; Ambry internal data). The p.R1664Q amino acid is located in the voltage sensing domain. The variant disrupts the R2 position of the voltage sensing motif in the voltage sensing domain which is known to be crucial for proper gating (Bezanilla F. Nat. Rev. Mol. Cell Biol., 2008 Apr;9:323-32; Chamberlin A et al. J. Mol. Biol., 2015 Jan;427:131-45). This amino acid position is highly conserved in available vertebrate species. In addition, this alteration is predicted to be deleterious by in silico analysis. This variant is considered to be rare based on population cohorts in the Genome Aggregation Database (gnomAD). Based on the supporting evidence, this variant is interpreted as a disease-causing mutation for CACNA1A-related neurologic disorder; however, it is unlikely to be causative of CACNA1A-related spinocerebellar ataxia.

Blueprint Genetics
Classification: Pathogenic for CACNA1A-related disorders. Last evaluated: 2024-07-02. Review status: criteria provided, single submitter. Criteria: ACMG Guidelines, 2015. Collection method: clinical testing. Allele origin: de novo. Affected: yes. Observed: 2 variant alleles.

Revvity Omics, Revvity
Classification: Pathogenic. Last evaluated: 2023-09-12. Review status: criteria provided, single submitter. Criteria: ACMG Guidelines, 2015. Collection method: clinical testing. Allele origin: germline.

GeneDx
Classification: Pathogenic. Last evaluated: 2023-08-14. Review status: criteria provided, single submitter. Criteria: GeneDx Variant Classification Process June 2021. Collection method: clinical testing. Allele origin: germline. Affected: yes.
Comment: Published functional studies demonstrate a damaging effect by significantly impairing the function of the protein (PMID: 28742085); Not observed at significant frequency in large population cohorts (gnomAD); This variant is associated with the following publications: (PMID: 28742085, 16325861, 24486772, 32429945, 32637629, 37555011, 33349592, 34068417)

Pediatric Department, Xiangya Hospital, Central South University
Classification: Pathogenic for Developmental and epileptic encephalopathy, 42. Last evaluated: 2021-01-07. Review status: criteria provided, single submitter. Criteria: ACMG Guidelines, 2015. Collection method: clinical testing. Allele origin: de novo. Affected: yes.

Athena Diagnostics
Classification: Likely pathogenic. Last evaluated: 2017-06-16. Review status: criteria provided, single submitter. Criteria: Athena Diagnostics Criteria. Collection method: clinical testing. Allele origin: germline.

Centre for Mendelian Genomics, University Medical Centre Ljubljana
Classification: Likely pathogenic for Enlarged cisterna magna; Global developmental delay. Last evaluated: 2014-05-20. Review status: criteria provided, single submitter. Criteria: ACMG Guidelines, 2015. Collection method: clinical testing. Allele origin: unknown. Affected: yes.

Baylor Genetics
Classification: Pathogenic for Developmental and epileptic encephalopathy, 42. Review status: criteria provided, single submitter. Criteria: ACMG Guidelines, 2015. Collection method: clinical testing. Allele origin: unknown.

Centre de Biologie Pathologie Génétique, Centre Hospitalier Universitaire de Lille
Classification: Pathogenic for Neurodevelopmental delay. Review status: criteria provided, single submitter. Criteria: ACMG Guidelines, 2015. Collection method: clinical testing. Allele origin: de novo. Affected: yes.

Juno Genomics, Hangzhou Juno Genomics, Inc
Classification: Pathogenic for Developmental and epileptic encephalopathy, 42; Episodic ataxia type 2. Review status: criteria provided, single submitter. Criteria: ACMG Guidelines, 2015. Collection method: clinical testing. Allele origin: germline. Affected: yes.
Comment: Absent from controls (or at extremely low frequency if recessive) in Genome Aggregation Database.;The prevalence of the variant in affected individuals is significantly increased compared to the prevalence in controls.;De novo (both maternity and paternity confirmed) in a patient with the disease and no family history.;Patient's phenotype or family history is highly specific for a disease with a single genetic etiology.;Well-established in vitro or in vivo functional studies supportive of a damaging effect on the gene or gene product.

NM_001127222.2(CACNA1A):c.4988G>A (p.Arg1663Gln)

Gene: CACNA1A (calcium voltage-gated channel subunit alpha1 A; minus strand). Cytogenetic location: 19p13.13.
Variant type: single nucleotide variant.
Coding change: c.4988G>A on transcript NM_001127222.2 (MANE Select); coding-DNA position 4988, G replaced by A.
Protein change: p.Arg1663Gln; replaces arginine 1663 with glutamine.
Molecular consequence: missense variant.
Genome position (GRCh38, 1-based): chr19:13,235,693, C>T on the plus strand (G>A on the coding strand, the complement: CACNA1A is on the minus strand). VCF-style: chr19-13235693-C-T. GRCh37 (hg19) VCF-style: chr19-13346507-C-T.
Other names: c.5006G>A, p.Arg1669Gln (NM_000068.4, NM_023035.3); c.4991G>A, p.Arg1664Gln (NM_001127221.2); c.4997G>A, p.Arg1666Gln (NM_001174080.2); short protein forms R1664Q, R1669Q, R1666Q, R1663Q.
Identifiers: ClinVar variation 68432 (VCV000068432.33), dbSNP rs121908247, ClinGen allele CA185906.